The following is an entry in ClinVar:

NM_020699.4(GATAD2B):c.1316T>G (p.Ile439Ser)

Gene: GATAD2B (GATA zinc finger domain containing 2B; minus strand). Cytogenetic location: 1q21.3.
Variant type: single nucleotide variant.
Coding change: c.1316T>G on transcript NM_020699.4 (MANE Select); coding-DNA position 1316, T replaced by G.
Protein change: p.Ile439Ser; replaces isoleucine 439 with serine.
Molecular consequence: missense variant.
Genome position (GRCh38, 1-based): chr1:153,813,353, A>C on the plus strand (T>G on the coding strand, the complement: GATAD2B is on the minus strand). VCF-style: chr1-153813353-A-C. GRCh37 (hg19) VCF-style: chr1-153785829-A-C.
Other names: short protein forms I439S.
Identifiers: ClinVar variation 2573855 (VCV002573855.1), dbSNP rs1446103444, ClinGen allele CA342524510.

ClinVar aggregate classification (germline): Uncertain significance (1 of 4 stars; one submission).

Submission:

GeneDx
Classification: Uncertain significance. Last evaluated: 2023-01-22. Review status: criteria provided, single submitter. Criteria: GeneDx Variant Classification Process June 2021. Collection method: clinical testing. Allele origin: germline. Affected: yes.
Comment: Not observed at significant frequency in large population cohorts (gnomAD); In silico analysis supports that this missense variant has a deleterious effect on protein structure/function; Has not been previously published as pathogenic or benign to our knowledge